The following is an entry in ClinVar:

ClinVar aggregate classification (germline): Likely pathogenic (1 of 4 stars; one submission).

Conditions:
Legius syndrome. Identifiers: Orphanet 137605, MedGen C1969623, MONDO:0012669, OMIM 611431. Disease mechanism: loss of function.

Submission:

Genomics, Clalit Research Institute, Clalit Health Care
Classification: Likely pathogenic for Legius syndrome. Last evaluated: 2024-11-25. Review status: criteria provided, single submitter. Criteria: ACMG Guidelines, 2015. Collection method: clinical testing. Allele origin: germline. Inheritance: Autosomal dominant inheritance. Affected: yes. Observed: 1 heterozygote.
Comment: Inheritance: The variant was identified in the Heterozygous state in the sample. Frequency: The variant is absent from the gnomAD reference population dataset. Variant type: Null variant in a gene where loss of function is a known mechanism of disease, Truncated region is critical to protein function, Variant removes more than 10% of transcript. Clinical evidence: To date, the variant has not been described by reputable sources or in the primary literature.

NM_152594.3(SPRED1):c.1138_1141del (p.Met380fs)

Gene: SPRED1 (sprouty related EVH1 domain containing 1; plus strand). Cytogenetic location: 15q14.
Variant type: Deletion.
Coding change: c.1138_1141del on transcript NM_152594.3 (MANE Select); coding-DNA positions 1138 to 1141, 4 bases deleted (ATGT; older notation c.1138_1141delATGT).
Protein change: p.Met380fs; shifts the reading frame from methionine 380.
Molecular consequence: frameshift variant.
Genome position (GRCh38, 1-based): chr15:38,351,467-38,351,470, ATGT deleted; deleting any 4 consecutive bases within chr15:38,351,464-38,351,470 gives the same sequence; the c. name uses the placement nearest the transcript's 3' end. VCF-style (leftmost placement, unchanged base first): chr15-38351463-TTGTA-T. GRCh37 (hg19) VCF-style: chr15-38643664-TTGTA-T.
Other names: short protein forms M380fs.
Identifiers: ClinVar variation 3383957 (VCV003383957.2).